The following is an entry in ClinVar:

NM_001287.6(CLCN7):c.485-10_485-9inv

Gene: CLCN7 (chloride voltage-gated channel 7; minus strand). Cytogenetic location: 16p13.3.
Variant type: Inversion.
Coding change: c.485-10_485-9inv on transcript NM_001287.6 (MANE Select).
Molecular consequence: intron variant.
Genome position: GRCh38 VCF-style: chr16-1460536-CA-TG. GRCh37 (hg19) VCF-style: chr16-1510537-CA-TG.
Other names: c.413-10_413-9inv (NM_001114331.3).
Identifiers: ClinVar variation 3616928 (VCV003616928.2).

ClinVar aggregate classification (germline): Uncertain significance (1 of 4 stars; one submission).

Submission:

Labcorp Genetics (formerly Invitae), Labcorp
Classification: Uncertain significance. Last evaluated: 2024-05-13. Review status: criteria provided, single submitter. Criteria: Invitae Variant Classification Sherloc (09022015). Collection method: clinical testing. Allele origin: germline.
Comment: This sequence change falls in intron 5 of the CLCN7 gene. It does not directly change the encoded amino acid sequence of the CLCN7 protein. Information on the frequency of this variant in the gnomAD database is not available, as this variant may be reported differently in the database. This variant has not been reported in the literature in individuals affected with CLCN7-related conditions. Experimental studies and prediction algorithms are not available or were not evaluated, and the effect of this variant on mRNA splicing is currently unknown. In summary, the available evidence is currently insufficient to determine the role of this variant in disease. Therefore, it has been classified as a Variant of Uncertain Significance.